The following is an entry in ClinVar:

NM_005050.4(ABCD4):c.1118+2T>A

Gene: ABCD4 (ATP binding cassette subfamily D member 4; minus strand). Cytogenetic location: 14q24.3.
Variant type: single nucleotide variant.
Coding change: c.1118+2T>A on transcript NM_005050.4 (MANE Select); the canonical splice donor site of the intron after coding-DNA position 1118, T replaced by A.
Molecular consequence: splice donor variant.
Genome position (GRCh38, 1-based): chr14:74,292,285, A>T on the plus strand (T>A on the coding strand, the complement: ABCD4 is on the minus strand). VCF-style: chr14-74292285-A-T. GRCh37 (hg19) VCF-style: chr14-74758988-A-T.
Other names: c.329+2T>A (NM_001353604.2, NM_001353607.2, NM_001353603.2 and 6 more transcripts); c.641+2T>A (NM_001353601.2, NM_001353598.2, NM_001353600.2 and 2 more transcripts); c.653+2T>A (NM_001353597.2); c.806+2T>A (NM_001353594.2); c.857+2T>A (NM_001353593.2); c.704+2T>A (NM_001353596.2, NM_001353595.2); c.992+2T>A (NM_001353591.2, NM_001353592.2); c.1118+2T>A (NM_020325.3).
Identifiers: ClinVar variation 3626899 (VCV003626899.2).

ClinVar aggregate classification (germline): Likely pathogenic (1 of 4 stars; one submission).

Conditions:
Methylmalonic acidemia with homocystinuria, type cblJ (MAHCJ). Also called: METHYLMALONIC ACIDURIA AND HOMOCYSTINURIA, cblJ TYPE. Identifiers: Orphanet 369955, MedGen C3553915, MONDO:0013925, OMIM 614857.

Submission:

Labcorp Genetics (formerly Invitae), Labcorp
Classification: Likely pathogenic for Methylmalonic acidemia with homocystinuria, type cblJ. Last evaluated: 2024-12-12. Review status: criteria provided, single submitter. Criteria: Invitae Variant Classification Sherloc (09022015). Collection method: clinical testing. Allele origin: germline.
Comment: This sequence change affects a donor splice site in intron 11 of the ABCD4 gene. It is expected to disrupt RNA splicing. Variants that disrupt the donor or acceptor splice site typically lead to a loss of protein function (PMID: 16199547), and loss-of-function variants in ABCD4 are known to be pathogenic (PMID: 22922874). This variant is not present in population databases (gnomAD no frequency). This variant has not been reported in the literature in individuals affected with ABCD4-related conditions. Algorithms developed to predict the effect of sequence changes on RNA splicing suggest that this variant may disrupt the consensus splice site. In summary, the currently available evidence indicates that the variant is pathogenic, but additional data are needed to prove that conclusively. Therefore, this variant has been classified as Likely Pathogenic.

Literature cited by the submitters: PubMed 16199547; PubMed 22922874.